The following is an entry in ClinVar:

ClinVar aggregate classification (germline): Likely benign (0 of 4 stars; one submission).

Conditions:
IFT74-related disorder. Also called: IFT74-related condition; IFT74-Related Disorders.

Submission:

PreventionGenetics, part of Exact Sciences
Classification: Likely benign for IFT74-related condition. Last evaluated: 2024-03-07. Review status: no assertion criteria provided. Collection method: clinical testing. Allele origin: germline.
Comment: This variant is classified as likely benign based on ACMG/AMP sequence variant interpretation guidelines (Richards et al. 2015 PMID: 25741868, with internal and published modifications).

NM_025103.4(IFT74):c.466-7T>C

Gene: IFT74 (intraflagellar transport 74; plus strand). Cytogenetic location: 9p21.2.
Variant type: single nucleotide variant.
Coding change: c.466-7T>C on transcript NM_025103.4 (MANE Select); 7 bases into the intron before coding-DNA position 466, T replaced by C.
Molecular consequence: intron variant.
Genome position (GRCh38, 1-based): chr9:26,988,662, T>C. VCF-style: chr9-26988662-T-C. GRCh37 (hg19) VCF-style: chr9-26988660-T-C.
Other names: c.466-7T>C (NM_001099223.3, NM_001099222.3, NM_001349928.2 and 1 more transcripts).
Identifiers: ClinVar variation 3358249 (VCV003358249.1).